The following is an entry in ClinVar:

NM_001347721.2(DYRK1A):c.930C>G (p.Tyr310Ter)

Gene: DYRK1A (dual specificity tyrosine phosphorylation regulated kinase 1A; plus strand). Cytogenetic location: 21q22.13.
Variant type: single nucleotide variant.
Coding change: c.930C>G on transcript NM_001347721.2 (MANE Select); coding-DNA position 930, C replaced by G.
Protein change: p.Tyr310Ter; replaces tyrosine 310 with a stop codon.
Molecular consequence: nonsense.
Genome position (GRCh38, 1-based): chr21:37,493,022, C>G. VCF-style: chr21-37493022-C-G. GRCh37 (hg19) VCF-style: chr21-38865324-C-G.
Other names: c.957C>G (NM_001396.3); c.930C>G, p.Tyr310Ter (NM_001347722.2, NM_130436.2); c.843C>G, p.Tyr281Ter (NM_001347723.2); c.957C>G, p.Tyr319Ter (NM_001396.5, NM_101395.2, NM_130438.2); short protein forms Y281*, Y319*, Y310*.
Identifiers: ClinVar variation 2099171 (VCV002099171.5), dbSNP rs745768777, ClinGen allele CA409936372.

ClinVar aggregate classification (germline): Pathogenic. Review status: criteria provided, multiple submitters, no conflicts (2 of 4 stars). 2 submissions from 2 submitters: Pathogenic (2). Last evaluated 2023-12-21.

Conditions:
DYRK1A-related intellectual disability syndrome (MRD7). Also called: DYRK1A Syndrome; Intellectual developmental disorder, autosomal dominant 7. Identifiers: Orphanet 464306, MedGen C5568143, MONDO:0013578, OMIM 614104.

Submissions (2):

GeneDx
Classification: Pathogenic. Last evaluated: 2023-12-21. Review status: criteria provided, single submitter. Criteria: GeneDx Variant Classification Process June 2021. Collection method: clinical testing. Allele origin: germline. Affected: yes.
Comment: Nonsense variant predicted to result in protein truncation or nonsense mediated decay in a gene for which loss of function is a known mechanism of disease; Not observed at significant frequency in large population cohorts (gnomAD); This variant is associated with the following publications: (PMID: 25944381, 34253714)

Labcorp Genetics (formerly Invitae), Labcorp
Classification: Pathogenic for DYRK1A-related intellectual disability syndrome. Last evaluated: 2022-07-15. Review status: criteria provided, single submitter. Criteria: Invitae Variant Classification Sherloc (09022015). Collection method: clinical testing. Allele origin: germline.
Comment: This sequence change creates a premature translational stop signal (p.Tyr319*) in the DYRK1A gene. It is expected to result in an absent or disrupted protein product. Loss-of-function variants in DYRK1A are known to be pathogenic (PMID: 25944381). For these reasons, this variant has been classified as Pathogenic. This premature translational stop signal has been observed in individual(s) with clinical features of DYRK1A-related intellectual disability (PMID: 34253714). In at least one individual the variant was observed to be de novo. This variant is not present in population databases (gnomAD no frequency).

Literature cited by the submitters: PubMed 25944381 (cited by Labcorp Genetics (formerly Invitae), Labcorp); PubMed 34253714 (cited by Labcorp Genetics (formerly Invitae), Labcorp).